The following is an entry in ClinVar:

NM_172107.4(KCNQ2):c.746T>C (p.Leu249Pro)

Gene: KCNQ2 (potassium voltage-gated channel subfamily Q member 2; minus strand). Cytogenetic location: 20q13.33.
Variant type: single nucleotide variant.
Coding change: c.746T>C on transcript NM_172107.4 (MANE Select); coding-DNA position 746, T replaced by C.
Protein change: p.Leu249Pro; replaces leucine 249 with proline.
Molecular consequence: missense variant.
Genome position (GRCh38, 1-based): chr20:63,442,476, A>G on the plus strand (T>C on the coding strand, the complement: KCNQ2 is on the minus strand). VCF-style: chr20-63442476-A-G. GRCh37 (hg19) VCF-style: chr20-62073829-A-G.
Other names: KCNQ2; c.746T>C, p.Leu249Pro (NM_004518.6, NM_172106.3, NM_172108.5 and 1 more transcripts); short protein forms L249P.
Identifiers: ClinVar variation 870318 (VCV000870318.5), dbSNP rs2081190512, ClinGen allele CA409653924.
Genomic context (GRCh38, chr20:63,442,476, plus strand): 5'-CAGAGTGCATCCGCGTAGGTGTCAAAGTGGTCGTTCTCCCCCTTCTCTGCCAAGTACACC[A>G]GGAACGAGGCCAGGATGAGACAAAGGAAGCCGATGTACCAGGCAGTGACCAGCTCCTGAG-3'
Protein context (NP_742105.1, residues 239-259): GFLCLILASF[Leu249Pro]VYLAEKGEND

ClinVar aggregate classification (germline): Pathogenic. Review status: criteria provided, single submitter (1 of 4 stars). 2 submissions from 2 submitters: Pathogenic (1). 1 of the submissions does not count toward it. Last evaluated 2023-10-13.

Conditions:
Early-infantile DEE. Also called: Early infantile epileptic encephalopathy; Ohtahara syndrome; Early infantile epileptic encephalopathy with suppression bursts. Identifiers: Orphanet 1934, MedGen C0393706, MONDO:0800491.
Intellectual disability. Also called: Intellectual developmental disorder; Intellectual functioning disability; intellectual disabilities. Identifiers: MedGen C3714756, MeSH D008607, MONDO:0001071, HP:0001249.

Submissions (2):

Labcorp Genetics (formerly Invitae), Labcorp
Classification: Pathogenic for Early-infantile DEE. Last evaluated: 2023-10-13. Review status: criteria provided, single submitter. Criteria: Invitae Variant Classification Sherloc (09022015). Collection method: clinical testing. Allele origin: germline.
Comment: This sequence change replaces leucine, which is neutral and non-polar, with proline, which is neutral and non-polar, at codon 249 of the KCNQ2 protein (p.Leu249Pro). This variant is not present in population databases (gnomAD no frequency). This missense change has been observed in individual(s) with early-infantile developmental and epileptic encephalopathy (PMID: 35701389). In at least one individual the variant was observed to be de novo. ClinVar contains an entry for this variant (Variation ID: 870318). Advanced modeling of protein sequence and biophysical properties (such as structural, functional, and spatial information, amino acid conservation, physicochemical variation, residue mobility, and thermodynamic stability) performed at Invitae indicates that this missense variant is expected to disrupt KCNQ2 protein function. For these reasons, this variant has been classified as Pathogenic.

Diagnostic Laboratory, Strasbourg University Hospital
Classification: Likely pathogenic for Intellectual disability. Last evaluated: 2019-12-01. Review status: no assertion criteria provided. Collection method: clinical testing. Allele origin: de novo. Inheritance: Autosomal dominant inheritance. Affected: yes. Observed: 1 heterozygote. Not counted in ClinVar's aggregate classification.

Literature cited by the submitters: PubMed 35701389 (cited by Labcorp Genetics (formerly Invitae), Labcorp).